The following is an entry in ClinVar:

ClinVar aggregate classification (germline): Benign/Likely benign. Review status: criteria provided, multiple submitters, no conflicts (2 of 4 stars). 10 submissions from 9 submitters: Benign (4); Likely benign (5). 1 of the submissions does not count toward it. Last evaluated 2026-09-01.

Conditions:
Retinitis pigmentosa 39 (RP39). Identifiers: Orphanet 791, MedGen C3151138, MONDO:0013436, OMIM 613809.
Usher syndrome type 2A. Also called: RETINAL DISEASE IN USHER SYNDROME TYPE IIA, MODIFIER OF; USHER SYNDROME, TYPE IIA. Identifiers: Orphanet 231178, Orphanet 886, MedGen C1848634, MONDO:0010169, OMIM 276901.

Allele frequency attached by ClinVar (database versions not stated): gnomAD exomes 0.00036 and 0.00104; ExAC 0.00120; gnomAD 0.00369 and 0.00394; ESP Exome Variant Server 0.00423; TOPMed 0.00447; 1000 Genomes Project 0.00519; 1000 Genomes Project 30x 0.00562.
gnomAD v4.1: 1,111 of 1,614,010 alleles (0.069%); highest among the groups gnomAD compares: African/African-American, 1.2%; 7 homozygotes.

Submissions (10):

CeGaT Center for Human Genetics Tuebingen
Classification: Likely benign. Last evaluated: 2026-09-01. Review status: criteria provided, single submitter. Criteria: CeGaT Center For Human Genetics Tuebingen Variant Classification Criteria Version 2. Collection method: clinical testing. Allele origin: germline. Affected: yes. Observed: 1 variant allele.
Comment: USH2A: BP4, BS1

Labcorp Genetics (formerly Invitae), Labcorp
Classification: Benign. Last evaluated: 2026-01-28. Review status: criteria provided, single submitter. Criteria: Invitae Variant Classification Sherloc (09022015). Collection method: clinical testing. Allele origin: germline.

Blueprint Genetics
Classification: Likely benign. Last evaluated: 2024-10-08. Review status: criteria provided, single submitter. Criteria: ACMG Guidelines, 2015. Collection method: clinical testing. Allele origin: germline.

Genome-Nilou Lab
Classification: Likely benign for Retinitis pigmentosa 39. Last evaluated: 2023-11-04. Review status: criteria provided, single submitter. Criteria: ACMG Guidelines, 2015. Collection method: clinical testing. Allele origin: germline. Affected: no.

Genome-Nilou Lab
Classification: Likely benign for Usher syndrome type 2A. Last evaluated: 2023-11-04. Review status: criteria provided, single submitter. Criteria: ACMG Guidelines, 2015. Collection method: clinical testing. Allele origin: germline. Affected: no.

Fulgent Genetics
Classification: Likely benign for Usher syndrome type 2A; Retinitis pigmentosa 39. Last evaluated: 2022-05-20. Review status: criteria provided, single submitter. Criteria: ACMG Guidelines, 2015. Collection method: clinical testing. Allele origin: unknown.

GeneDx
Classification: Benign. Last evaluated: 2019-05-03. Review status: criteria provided, single submitter. Criteria: GeneDx Variant Classification Process June 2021. Collection method: clinical testing. Allele origin: germline. Affected: yes.

Laboratory for Molecular Medicine, Mass General Brigham Personalized Medicine
Classification: Benign. Last evaluated: 2012-05-07. Review status: criteria provided, single submitter. Criteria: LMM Criteria. Collection method: clinical testing. Allele origin: germline. Observed: 8 variant alleles.
Comment: Val2820Ile in Exon 42 of USH2A: This variant is not expected to have clinical si gnificance because it has been identified in 1.4% (54/3738) of African American chromosomes from a broad population by the NHLBI Exome Sequencing Project (dbSNP rs59174500).

Breakthrough Genomics
Classification: Benign. Review status: criteria provided, single submitter. Criteria: ACMG Guidelines, 2015. Collection method: not provided. Allele origin: germline. Inheritance: Autosomal recessive inheritance. Affected: yes.

Natera, Inc.
Classification: Benign for Usher syndrome type 2A. Last evaluated: 2019-12-08. Review status: no assertion criteria provided. Collection method: clinical testing. Allele origin: germline. Not counted in ClinVar's aggregate classification.

NM_206933.4(USH2A):c.8458G>A (p.Val2820Ile)

Gene: USH2A (usherin; minus strand). Cytogenetic location: 1q41.
Variant type: single nucleotide variant.
Coding change: c.8458G>A on transcript NM_206933.4 (MANE Select); coding-DNA position 8458, G replaced by A.
Protein change: p.Val2820Ile; replaces valine 2820 with isoleucine.
Molecular consequence: missense variant.
Genome position (GRCh38, 1-based): chr1:215,878,864, C>T on the plus strand (G>A on the coding strand, the complement: USH2A is on the minus strand). VCF-style: chr1-215878864-C-T. GRCh37 (hg19) VCF-style: chr1-216052206-C-T.
Other names: short protein forms V2820I.
Identifiers: ClinVar variation 178648 (VCV000178648.22), dbSNP rs59174500, ClinGen allele CA182732.